The following is an entry in ClinVar:

ClinVar aggregate classification (germline): Likely pathogenic (1 of 4 stars; one submission).

Submission:

GeneDx
Classification: Likely pathogenic. Last evaluated: 2023-10-01. Review status: criteria provided, single submitter. Criteria: GeneDx Variant Classification Process June 2021. Collection method: clinical testing. Allele origin: germline. Affected: yes.
Comment: Frameshift variant predicted to result in protein truncation or nonsense mediated decay in a gene for which loss-of-function is a known mechanism of disease; Has not been previously published as pathogenic or benign to our knowledge; No data available from control populations to assess the frequency of this variant

NM_001287491.2(TET3):c.174dup (p.Thr59fs)

Gene: TET3 (tet methylcytosine dioxygenase 3; plus strand). Cytogenetic location: 2p13.1.
Variant type: Duplication.
Coding change: c.174dup on transcript NM_001287491.2 (MANE Select); coding-DNA position 174, one base duplicated (T; older notation c.174dupT).
Protein change: p.Thr59fs; shifts the reading frame from threonine 59.
Molecular consequence: frameshift variant.
Genome position (GRCh38, 1-based): chr2:73,986,577, T duplicated. VCF-style (leftmost placement, unchanged base first): chr2-73986576-G-GT. GRCh37 (hg19) VCF-style: chr2-74213703-G-GT.
Other names: short protein forms T59fs.
Identifiers: ClinVar variation 2663463 (VCV002663463.1), dbSNP rs2467150839, ClinGen allele CA2695200836.